The following is an entry in ClinVar:

ClinVar aggregate classification (germline): Benign/Likely benign. Review status: criteria provided, multiple submitters, no conflicts (2 of 4 stars). 3 submissions from 3 submitters: Benign (1); Likely benign (1). 1 of the submissions does not count toward it. Last evaluated 2026-01-15.

Conditions:
WNT7A-related disorder. Also called: WNT7A-related condition.

Allele frequency attached by ClinVar (database versions not stated): gnomAD 0.00010 and 0.00011; gnomAD exomes 0.00018 and 0.00091; TOPMed 0.00029; ExAC 0.00070; ESP Exome Variant Server 0.00008.
gnomAD v4.1: 281 of 1,614,000 alleles (0.017%); highest among the groups gnomAD compares: Admixed American, 0.45%; 1 homozygote.

Submissions (3):

Labcorp Genetics (formerly Invitae), Labcorp
Classification: Benign. Last evaluated: 2026-01-15. Review status: criteria provided, single submitter. Criteria: Invitae Variant Classification Sherloc (09022015). Collection method: clinical testing. Allele origin: germline.

Eurofins Ntd Llc (ga)
Classification: Likely benign. Last evaluated: 2016-06-15. Review status: criteria provided, single submitter. Criteria: EGL Classification Definitions 2015. Collection method: clinical testing. Allele origin: germline. Observed: 1 variant allele, 1 heterozygote.

PreventionGenetics, part of Exact Sciences
Classification: Likely benign for WNT7A-related condition. Last evaluated: 2019-03-27. Review status: no assertion criteria provided. Collection method: clinical testing. Allele origin: germline. Not counted in ClinVar's aggregate classification.
Comment: This variant is classified as likely benign based on ACMG/AMP sequence variant interpretation guidelines (Richards et al. 2015 PMID: 25741868, with internal and published modifications).

NM_004625.4(WNT7A):c.399C>T (p.Cys133=)

Genes: WNT7A (Wnt family member 7A; minus strand), LOC126806608 (P300/CBP strongly-dependent group 1 enhancer GRCh37_chr3:13895244-13896443; plus strand). Cytogenetic location: 3p25.1.
Variant type: single nucleotide variant.
Coding change: c.399C>T on transcript NM_004625.4 (MANE Select); coding-DNA position 399, C replaced by T.
Protein change: p.Cys133=; no amino-acid change (cysteine 133 retained).
Molecular consequence: synonymous variant.
Genome position (GRCh38, 1-based): chr3:13,854,703, G>A on the plus strand (C>T on the coding strand, the complement: WNT7A is on the minus strand). VCF-style: chr3-13854703-G-A. GRCh37 (hg19) VCF-style: chr3-13896200-G-A.
Identifiers: ClinVar variation 288358 (VCV000288358.16), dbSNP rs367697256, ClinGen allele CA2266453.